The following is an entry in ClinVar:

NM_001099287.2(NIPAL4):c.946G>T (p.Glu316Ter)

Gene: NIPAL4 (NIPA like domain containing 4; plus strand). Cytogenetic location: 5q33.3.
Variant type: single nucleotide variant.
Coding change: c.946G>T on transcript NM_001099287.2 (MANE Select); coding-DNA position 946, G replaced by T.
Protein change: p.Glu316Ter; replaces glutamic acid 316 with a stop codon.
Molecular consequence: nonsense.
Genome position (GRCh38, 1-based): chr5:157,472,691, G>T. VCF-style: chr5-157472691-G-T. GRCh37 (hg19) VCF-style: chr5-156899699-G-T.
Other names: c.889G>T, p.Glu297Ter (NM_001172292.2); short protein forms E378*, E359*, E316*, E297*.
Identifiers: ClinVar variation 432117 (VCV000432117.2), dbSNP rs1255386092, ClinGen allele CA361974379.
Genomic context (GRCh38, chr5:157,472,691, plus strand): 5'-CCCATCTACTACGTGTTCTTCACCACGGTGGTCGTTACCTCGTCCATCATCCTCTTCAAG[G>T]AGTGGTACAGCATGTCTGCTGTGGACATTGCAGGCACCCTCTCGGGCTTTGTCACCATCA-3'

ClinVar aggregate classification (germline): Likely pathogenic (1 of 4 stars; one submission).

Submission:

GeneDx
Classification: Likely pathogenic. Last evaluated: 2016-03-23. Review status: criteria provided, single submitter. Criteria: GeneDx Variant Classification (06012015). Collection method: clinical testing. Allele origin: germline. Affected: yes.
Comment: To our knowledge, the E378X variant in the NIPAL4 gene has not been reported previously as a pathogenic variant nor as a benign variant. This variant is predicted to cause a shift in reading frame and loss of normal protein function through protein truncation. The E378X variant was not observed in approximately 6,400 individuals of European and African American ancestry in the NHLBI Exome Sequencing Project, indicating it is not a common benign variant in these populations. Therefore, the E378X variant is a strong candidate for a pathogenic variant, although the possibility it may be a rare benign variant cannot be excluded.